The following is an entry in ClinVar:

ClinVar aggregate classification (germline): Uncertain significance. Review status: criteria provided, multiple submitters, no conflicts (2 of 4 stars). 3 submissions from 3 submitters: Uncertain significance (3). Last evaluated 2025-11-26.

Conditions:
Muscle AMP deaminase deficiency (MMDD). Also called: Myoadenylate deaminase deficiency, myopathy due to; Adenosine monophosphate deaminase 1 deficiency; AMP deaminase 1 deficiency; Adenosine Monophosphate Deaminase 1; AMPD1 DEFICIENCY; ADENOSINE MONOPHOSPHATE DEAMINASE-1 DEFICIENCY, MYOPATHY DUE TO. Identifiers: Orphanet 45, MedGen C3714933, MONDO:0014220, OMIM 615511.

Allele frequency attached by ClinVar (database versions not stated): ExAC 0.00004; gnomAD exomes 0.00005; TOPMed 0.00005; gnomAD 0.00008 and 0.00009; ESP Exome Variant Server 0.00015.
gnomAD v4.1: 91 of 1,609,586 alleles (0.0057%); highest among the groups gnomAD compares: Non-Finnish European, 0.0059%; no homozygotes.

Submissions (4):

Labcorp Genetics (formerly Invitae), Labcorp
Classification: Uncertain significance for Muscle AMP deaminase deficiency. Last evaluated: 2025-11-26. Review status: criteria provided, single submitter. Criteria: Invitae Variant Classification Sherloc (09022015). Collection method: clinical testing. Allele origin: germline.
Comment: This sequence change falls in intron 10 of the AMPD1 gene. It does not directly change the encoded amino acid sequence of the AMPD1 protein. It affects a nucleotide within the consensus splice site. This variant is present in population databases (rs374144421, gnomAD 0.03%). This variant has not been reported in the literature in individuals affected with AMPD1-related conditions. ClinVar contains an entry for this variant (Variation ID: 932026). Variants that disrupt the consensus splice site are a relatively common cause of aberrant splicing (PMID: 17576681, 9536098). Algorithms developed to predict the effect of sequence changes on RNA splicing suggest that this variant may disrupt the consensus splice site. In summary, the available evidence is currently insufficient to determine the role of this variant in disease. Therefore, it has been classified as a Variant of Uncertain Significance.

Department of Pathology and Laboratory Medicine, Sinai Health System
Classification: Uncertain significance for Muscle AMP deaminase deficiency. Last evaluated: 2022-12-05. Review status: criteria provided, single submitter. Criteria: ACMG Guidelines, 2015. Collection method: research. Allele origin: germline.

Centre for Mendelian Genomics, University Medical Centre Ljubljana
Classification: Uncertain significance for Muscle AMP deaminase deficiency. Last evaluated: 2016-01-01. Review status: criteria provided, single submitter. Criteria: ACMG Guidelines, 2015. Collection method: clinical testing. Allele origin: unknown. Affected: yes.
Comment: This variant was classified as: Uncertain significance. The following ACMG criteria were applied in classifying this variant: PM2,PM3,PP3.

Dr. Peter K. Rogan Lab, Western University
No classification provided (evidence only). Condition: Gastric cancer. Review status: no classification provided. Collection method: in vitro. Allele origin: not applicable. Functional consequence: retained intron. Not counted in ClinVar's aggregate classification.

Literature cited by the submitters: PubMed 17576681 (cited by Labcorp Genetics (formerly Invitae), Labcorp); PubMed 9536098 (cited by Labcorp Genetics (formerly Invitae), Labcorp).

NM_000036.3(AMPD1):c.1388+5G>A

Gene: AMPD1 (adenosine monophosphate deaminase 1; minus strand). Cytogenetic location: 1p13.2.
Variant type: single nucleotide variant.
Coding change: c.1388+5G>A on transcript NM_000036.3 (MANE Select); 5 bases into the intron after coding-DNA position 1388, G replaced by A.
Molecular consequence: intron variant.
Genome position (GRCh38, 1-based): chr1:114,677,346, C>T on the plus strand (G>A on the coding strand, the complement: AMPD1 is on the minus strand). VCF-style: chr1-114677346-C-T. GRCh37 (hg19) VCF-style: chr1-115219967-C-T.
Other names: c.1376+5G>A (NM_001172626.2).
Identifiers: ClinVar variation 932026 (VCV000932026.8), dbSNP rs374144421, ClinGen allele CA1020138.